The following is an entry in ClinVar:

NM_001291303.3(FAT4):c.11959T>C (p.Tyr3987His)

Gene: FAT4 (FAT atypical cadherin 4; plus strand). Cytogenetic location: 4q28.1.
Variant type: single nucleotide variant.
Coding change: c.11959T>C on transcript NM_001291303.3 (MANE Select); coding-DNA position 11959, T replaced by C.
Protein change: p.Tyr3987His; replaces tyrosine 3987 with histidine.
Molecular consequence: missense variant.
Genome position (GRCh38, 1-based): chr4:125,468,565, T>C. VCF-style: chr4-125468565-T-C. GRCh37 (hg19) VCF-style: chr4-126389720-T-C.
Other names: c.11953T>C (NM_024582.5); c.11959T>C, p.Tyr3987His (NM_001291285.3); c.11953T>C, p.Tyr3985His (NM_024582.6); short protein forms Y3987H, Y3985H.
Identifiers: ClinVar variation 1513528 (VCV001513528.9), dbSNP rs2126076080, ClinGen allele CA358127518.

ClinVar aggregate classification (germline): Uncertain significance. Review status: criteria provided, multiple submitters, no conflicts (2 of 4 stars). 2 submissions from 2 submitters: Uncertain significance (2). Last evaluated 2024-01-02.

Conditions:
Hennekam lymphangiectasia-lymphedema syndrome 2 (HKLLS2). Identifiers: Orphanet 2136, MedGen C4014939, MONDO:0014454, OMIM 616006.
Van Maldergem syndrome 2 (VMLDS2). Identifiers: Orphanet 314679, MedGen C3809875, MONDO:0014242, OMIM 615546.

Allele frequency attached by ClinVar (database versions not stated): gnomAD exomes below 0.00001.
gnomAD v4.1: 1 of 1,614,024 alleles (0.000062%); highest among the groups gnomAD compares: Non-Finnish European, 0.000085%; no homozygotes.

Submissions (2):

Fulgent Genetics
Classification: Uncertain significance for Van Maldergem syndrome 2; Hennekam lymphangiectasia-lymphedema syndrome 2. Last evaluated: 2024-01-02. Review status: criteria provided, single submitter. Criteria: ACMG Guidelines, 2015. Collection method: clinical testing. Allele origin: germline.

Labcorp Genetics (formerly Invitae), Labcorp
Classification: Uncertain significance. Last evaluated: 2022-09-07. Review status: criteria provided, single submitter. Criteria: Invitae Variant Classification Sherloc (09022015). Collection method: clinical testing. Allele origin: germline.
Comment: In summary, the available evidence is currently insufficient to determine the role of this variant in disease. Therefore, it has been classified as a Variant of Uncertain Significance. Advanced modeling of protein sequence and biophysical properties (such as structural, functional, and spatial information, amino acid conservation, physicochemical variation, residue mobility, and thermodynamic stability) performed at Invitae indicates that this missense variant is not expected to disrupt FAT4 protein function. ClinVar contains an entry for this variant (Variation ID: 1513528). This variant has not been reported in the literature in individuals affected with FAT4-related conditions. This variant is not present in population databases (gnomAD no frequency). This sequence change replaces tyrosine, which is neutral and polar, with histidine, which is basic and polar, at codon 3985 of the FAT4 protein (p.Tyr3985His).